The following is an entry in ClinVar:

ClinVar aggregate classification (germline): Uncertain significance. Review status: criteria provided, multiple submitters, no conflicts (2 of 4 stars). 2 submissions from 2 submitters: Uncertain significance (2). Last evaluated 2025-10-26.

Conditions:
Hereditary cancer-predisposing syndrome. Also called: Hereditary Cancer Syndrome; Hereditary neoplastic syndrome; Tumor predisposition; Neoplastic Syndromes, Hereditary. Identifiers: Orphanet 140162, MedGen C0027672, MeSH D009386, MONDO:0015356.
Familial adenomatous polyposis 1 (FAP1). Also called: FAMILIAL ADENOMATOUS POLYPOSIS 1, ATTENUATED; POLYPOSIS, ADENOMATOUS INTESTINAL. Identifiers: MedGen C2713442, MONDO:0021056, OMIM 175100. Disease mechanism: loss of function.

gnomAD v4.1: 3 of 1,614,036 alleles (0.00019%); highest among the groups gnomAD compares: Admixed American, 0.0017%; no homozygotes.

Submissions (2):

Labcorp Genetics (formerly Invitae), Labcorp
Classification: Uncertain significance for Familial adenomatous polyposis 1. Last evaluated: 2025-10-26. Review status: criteria provided, single submitter. Criteria: Invitae Variant Classification Sherloc (09022015). Collection method: clinical testing. Allele origin: germline.
Comment: This sequence change replaces phenylalanine, which is neutral and non-polar, with leucine, which is neutral and non-polar, at codon 82 of the APC protein (p.Phe82Leu). This variant is present in population databases (no rsID available, gnomAD 0.003%). This variant has not been reported in the literature in individuals affected with APC-related conditions. ClinVar contains an entry for this variant (Variation ID: 1791743). Invitae Evidence Modeling of protein sequence and biophysical properties (such as structural, functional, and spatial information, amino acid conservation, physicochemical variation, residue mobility, and thermodynamic stability) indicates that this missense variant is not expected to disrupt APC protein function with a negative predictive value of 95%. In summary, the available evidence is currently insufficient to determine the role of this variant in disease. Therefore, it has been classified as a Variant of Uncertain Significance.

Ambry Genetics
Classification: Uncertain significance for Hereditary cancer-predisposing syndrome. Last evaluated: 2024-12-17. Review status: criteria provided, single submitter. Criteria: Ambry Variant Classification Scheme 2023. Collection method: clinical testing. Allele origin: germline.
Comment: The p.F82L variant (also known as c.246C>A), located in coding exon 3 of the APC gene, results from a C to A substitution at nucleotide position 246. The phenylalanine at codon 82 is replaced by leucine, an amino acid with highly similar properties. This amino acid position is conserved. In addition, in silico predictors for this gene do not accurately predict pathogenicity. Missense alterations in APC are not a common cause of disease (Spier I et al. Genet Med. 2024 Feb;26(2):100992). Since supporting evidence is limited at this time, the clinical significance of this alteration remains unclear.

NM_000038.6(APC):c.246C>A (p.Phe82Leu)

Gene: APC (APC regulator of Wnt signaling pathway; plus strand). Cytogenetic location: 5q22.2.
Variant type: single nucleotide variant.
Coding change: c.246C>A on transcript NM_000038.6 (MANE Select); coding-DNA position 246, C replaced by A.
Protein change: p.Phe82Leu; replaces phenylalanine 82 with leucine.
Molecular consequence: missense variant. On other transcripts: 5 prime UTR variant (1).
Genome position (GRCh38, 1-based): chr5:112,767,214, C>A. VCF-style: chr5-112767214-C-A. GRCh37 (hg19) VCF-style: chr5-112102911-C-A.
Other names: c.246C>A, p.Phe82Leu (NM_001127510.3, NM_001354895.2, NM_001354896.2 and 16 more transcripts); c.276C>A, p.Phe92Leu (NM_001127511.3, NM_001354897.2, NM_001354902.2 and 1 more transcripts); c.171C>A, p.Phe57Leu (NM_001354898.2, NM_001354904.2, NM_001407451.1); c.69C>A, p.Phe23Leu (NM_001354900.2, NM_001354901.2, NM_001354905.2 and 1 more transcripts); c.-790C>A (NM_001354906.2, NM_001407470.1, NM_001407471.1 and 1 more transcripts); short protein forms F82L, F23L, F57L, F92L.
Identifiers: ClinVar variation 1791743 (VCV001791743.5), dbSNP rs755478426, ClinGen allele CA16021883.